The following is an entry in ClinVar:

NM_006267.5(RANBP2):c.9219C>T (p.Asp3073=)

Gene: RANBP2 (RAN binding protein 2; plus strand). Cytogenetic location: 2q13.
Variant type: single nucleotide variant.
Coding change: c.9219C>T on transcript NM_006267.5 (MANE Select); coding-DNA position 9219, C replaced by T.
Protein change: p.Asp3073=; no amino-acid change (aspartic acid 3073 retained).
Molecular consequence: synonymous variant.
Genome position (GRCh38, 1-based): chr2:108,782,712, C>T. VCF-style: chr2-108782712-C-T. GRCh37 (hg19) VCF-style: chr2-109399168-C-T.
Other names: c.9219C>T (NM_006267.4).
Identifiers: ClinVar variation 1628254 (VCV001628254.11), dbSNP rs149605647, ClinGen allele CA1823986.

ClinVar aggregate classification (germline): Likely benign. Review status: criteria provided, multiple submitters, no conflicts (2 of 4 stars). 3 submissions from 3 submitters: Likely benign (2). 1 of the submissions does not count toward it. Last evaluated 2024-06-07.

Conditions:
RANBP2-related disorder. Also called: RANBP2-related condition.
Familial acute necrotizing encephalopathy (IIAE3). Also called: ENCEPHALOPATHY, ACUTE, INFECTION-INDUCED, SUSCEPTIBILITY TO, 3; Susceptibility to Acute Necrotizing Encephalopathy 1. Identifiers: Orphanet 88619, MedGen C2675556, MONDO:0011953, OMIM 608033.

Allele frequency attached by ClinVar (database versions not stated): gnomAD 0.00011; ESP Exome Variant Server 0.00015; TOPMed 0.00015; gnomAD exomes 0.00021 and 0.00034; ExAC 0.00022.
gnomAD v4.1: 506 of 1,614,014 alleles (0.031%); highest among the groups gnomAD compares: Non-Finnish European, 0.04%; no homozygotes.

Submissions (3):

Blueprint Genetics
Classification: Likely benign. Last evaluated: 2024-06-07. Review status: criteria provided, single submitter. Criteria: ACMG Guidelines, 2015. Collection method: clinical testing. Allele origin: germline.

Labcorp Genetics (formerly Invitae), Labcorp
Classification: Likely benign for Familial acute necrotizing encephalopathy. Last evaluated: 2024-02-26. Review status: criteria provided, single submitter. Criteria: Invitae Variant Classification Sherloc (09022015). Collection method: clinical testing. Allele origin: germline.

PreventionGenetics, part of Exact Sciences
Classification: Likely benign for RANBP2-related condition. Last evaluated: 2019-09-10. Review status: no assertion criteria provided. Collection method: clinical testing. Allele origin: germline. Not counted in ClinVar's aggregate classification.
Comment: This variant is classified as likely benign based on ACMG/AMP sequence variant interpretation guidelines (Richards et al. 2015 PMID: 25741868, with internal and published modifications).